The following is an entry in ClinVar:

NM_001292063.2(OTOG):c.3299C>T (p.Ala1100Val)

Gene: OTOG (otogelin; plus strand). Cytogenetic location: 11p15.1.
Variant type: single nucleotide variant.
Coding change: c.3299C>T on transcript NM_001292063.2 (MANE Select); coding-DNA position 3299, C replaced by T.
Protein change: p.Ala1100Val; replaces alanine 1100 with valine.
Molecular consequence: missense variant.
Genome position (GRCh38, 1-based): chr11:17,594,057, C>T. VCF-style: chr11-17594057-C-T. GRCh37 (hg19) VCF-style: chr11-17615604-C-T.
Other names: c.3335C>T, p.Ala1112Val (NM_001277269.2); short protein forms A1112V, A1100V.
Identifiers: ClinVar variation 226883 (VCV000226883.19), dbSNP rs7936324, ClinGen allele CA5905724.

ClinVar aggregate classification (germline): Benign. Review status: criteria provided, multiple submitters, no conflicts (2 of 4 stars). 6 submissions from 6 submitters: Benign (6). Last evaluated 2026-01-27.

Allele frequency attached by ClinVar (database versions not stated): gnomAD exomes 0.00400 and 0.00837; ExAC 0.00741; 1000 Genomes Project 0.03994; gnomAD 0.04022 and 0.04354; 1000 Genomes Project 30x 0.04216; TOPMed 0.04592.
gnomAD v4.1: 11,988 of 1,550,468 alleles (0.77%); highest among the groups gnomAD compares: African/African-American, 14%; 760 homozygotes.

Submissions (6):

Labcorp Genetics (formerly Invitae), Labcorp
Classification: Benign. Last evaluated: 2026-01-27. Review status: criteria provided, single submitter. Criteria: Invitae Variant Classification Sherloc (09022015). Collection method: clinical testing. Allele origin: germline.

Mayo Clinic Laboratories, Mayo Clinic
Classification: Benign. Last evaluated: 2020-10-02. Review status: criteria provided, single submitter. Criteria: ACMG Guidelines, 2015. Collection method: clinical testing. Allele origin: germline. Observed: 5 variant alleles.

Athena Diagnostics
Classification: Benign. Last evaluated: 2018-05-23. Review status: criteria provided, single submitter. Criteria: Athena Diagnostics Criteria. Collection method: clinical testing. Allele origin: germline.

GeneDx
Classification: Benign. Last evaluated: 2017-10-05. Review status: criteria provided, single submitter. Criteria: GeneDx Variant Classification (06012015). Collection method: clinical testing. Allele origin: germline. Affected: yes.
Comment: This variant is considered likely benign or benign based on one or more of the following criteria: it is a conservative change, it occurs at a poorly conserved position in the protein, it is predicted to be benign by multiple in silico algorithms, and/or has population frequency not consistent with disease.

Laboratory for Molecular Medicine, Mass General Brigham Personalized Medicine
Classification: Benign. Last evaluated: 2014-11-24. Review status: criteria provided, single submitter. Criteria: LMM Criteria. Collection method: clinical testing. Allele origin: germline. Observed: 19 variant alleles.
Comment: Ala1112Val in exon 27 of OTOG: This variant is not expected to have clinical sig nificance because it has been identified in 15.5% (30/194) of Luhya (Kenyan) chr omosomes from a broad population by the 1000 Genomes Project (m.; dbSNP rs7936324).

Breakthrough Genomics
Classification: Benign. Review status: criteria provided, single submitter. Criteria: ACMG Guidelines, 2015. Collection method: not provided. Allele origin: germline. Inheritance: Autosomal recessive inheritance. Affected: yes.